The following is an entry in ClinVar:

NC_000023.11:g.22247852del

Genes: PHEX (phosphate regulating endopeptidase X-linked; plus strand), PTCHD1-AS (PTCHD1 and PHEX antisense RNA; minus strand). Cytogenetic location: Xp22.11.
Variant type: Deletion.
Genome position: GRCh38 VCF-style: chrX-22247849-AG-A. GRCh37 (hg19) VCF-style: chrX-22265966-AG-A.
Identifiers: ClinVar variation 1460389 (VCV001460389.6), dbSNP rs2147217187, ClinGen allele CA2573158552.

ClinVar aggregate classification (germline): Pathogenic (1 of 4 stars; one submission).

Submission:

Labcorp Genetics (formerly Invitae), Labcorp
Classification: Pathogenic. Last evaluated: 2021-07-31. Review status: criteria provided, single submitter. Criteria: Invitae Variant Classification Sherloc (09022015). Collection method: clinical testing. Allele origin: germline.
Comment: For these reasons, this variant has been classified as Pathogenic. This variant disrupts a region of the PHEX protein in which other variant(s) (p.Trp749Arg) have been determined to be pathogenic (PMID: 9768674, 29858904; Invitae). This suggests that this is a clinically significant region of the protein, and that variants that disrupt it are likely to be disease-causing. Algorithms developed to predict the effect of sequence changes on RNA splicing suggest that this variant may create or strengthen a splice site. This variant is also known as 2148delG. This premature translational stop signal has been observed in individual(s) with hypophosphatemia (PMID: 10439971; Invitae). This variant is not present in population databases (ExAC no frequency). This sequence change creates a premature translational stop signal (p.Val717Serfs*23) in the PHEX gene. While this is not anticipated to result in nonsense mediated decay, it is expected to disrupt the last 33 amino acid(s) of the PHEX protein.

Literature cited by the submitters: PubMed 9768674; PubMed 29858904; PubMed 10439971.